The following is an entry in ClinVar:

ClinVar aggregate classification (germline): Likely pathogenic (1 of 4 stars; one submission).

Submission:

GeneDx
Classification: Likely pathogenic. Last evaluated: 2024-11-18. Review status: criteria provided, single submitter. Criteria: GeneDx Variant Classification Process June 2021. Collection method: clinical testing. Allele origin: germline. Affected: yes.
Comment: Frameshift variant predicted to result in protein truncation or nonsense mediated decay in a gene for which loss of function is a known mechanism of disease; Not observed at significant frequency in large population cohorts (gnomAD); Has not been previously published as pathogenic or benign to our knowledge

NM_181552.4(CUX1):c.1314_1327del (p.Gly439fs)

Gene: CUX1 (cut like homeobox 1; plus strand). Cytogenetic location: 7q22.1.
Variant type: Deletion.
Coding change: c.1314_1327del on transcript NM_181552.4 (MANE Select); coding-DNA positions 1314 to 1327, 14 bases deleted (GGGGGAGCAGGCTT).
Protein change: p.Gly439fs; shifts the reading frame from glycine 439.
Molecular consequence: frameshift variant. On other transcripts: intron variant (5).
Genome position (GRCh38, 1-based): chr7:102,196,725-102,196,738, GGGGGAGCAGGCTT deleted. VCF-style (leftmost placement, unchanged base first): chr7-102196724-CGGGGGAGCAGGCTT-C. GRCh37 (hg19) VCF-style: chr7-101840004-CGGGGGAGCAGGCTT-C.
Other names: c.1347_1360del, p.Gly450fs (NM_001202543.2); c.1255+1122_1255+1135del (NM_001913.5); c.1249+1122_1249+1135del (NM_181500.4); c.1117+1122_1117+1135del (NM_001202545.3); c.1207+1122_1207+1135del (NM_001202544.3); c.1138+1122_1138+1135del (NM_001202546.3); short protein forms G439fs, G450fs.
Identifiers: ClinVar variation 1806742 (VCV001806742.2), dbSNP rs2485334624, ClinGen allele CA2580076037.
Genomic context (GRCh38, chr7:102,196,724, plus strand): 5'-CTGAAAGTCGGCGCCCGGGATCTTTGCCGGCCCCCCCTCCTTCTCAGTTGCCCCGCAACC[CGGGGGAGCAGGCTT>C]CCAATACTAATGGTACACACCAGTTCTCACCAGCGGGGTTAAGTCAAGACTTTTTCAGCT-3'